The following is an entry in ClinVar:

NC_000010.10:g.(?_101470624)_(101491885_?)dup

Genes: COX15 (cytochrome c oxidase assembly factor COX15; minus strand), ENTPD7 (ectonucleoside triphosphate diphosphohydrolase 7; plus strand). Cytogenetic location: 10q24.2.
Variant type: Duplication.
Identifiers: ClinVar variation 4689696 (VCV004689696.1).

ClinVar aggregate classification (germline): Uncertain significance (1 of 4 stars; one submission).

Submission:

Women's Health and Genetics/Laboratory Corporation of America, LabCorp
Classification: Uncertain significance. Last evaluated: 2026-01-02. Review status: criteria provided, single submitter. Criteria: LabCorp Variant Classification Summary - May 2015. Collection method: clinical testing. Allele origin: germline.
Comment: Variant summary: The variant involves the duplication of exons 1-9 in the COX15 gene. A presumed nomenclature of c.(?_-79)_(*2547_?)dup has been designated for the purposes of this classification. This duplication includes the entire coding sequence of the gene. As exact breakpoints are unknown, it may extend beyond the annotated region of the gene, to include other flanking genes. The variant was absent in 21694 control chromosomes. The available data on variant occurrences in the general population are insufficient to allow any conclusion about variant significance. To our knowledge, no occurrence of c.(?_-79)_(*2547_?)dup in individuals affected with COX15-related conditions and no experimental evidence demonstrating its impact on protein function have been reported. No submitters have cited clinical-significance assessments for this variant to ClinVar. Based on the evidence outlined above, the variant was classified as uncertain significance.